The following is an entry in ClinVar:

NM_001220.5(CAMK2B):c.416C>T (p.Pro139Leu)

Gene: CAMK2B (calcium/calmodulin dependent protein kinase II beta; minus strand). Cytogenetic location: 7p13.
Variant type: single nucleotide variant.
Coding change: c.416C>T on transcript NM_001220.5 (MANE Select); coding-DNA position 416, C replaced by T.
Protein change: p.Pro139Leu; replaces proline 139 with leucine.
Molecular consequence: missense variant.
Genome position (GRCh38, 1-based): chr7:44,243,526, G>A on the plus strand (C>T on the coding strand, the complement: CAMK2B is on the minus strand). VCF-style: chr7-44243526-G-A. GRCh37 (hg19) VCF-style: chr7-44283125-G-A.
Other names: c.416C>T, p.Pro139Leu (NM_001293170.2, NM_172078.3, NM_172079.3 and 5 more transcripts); short protein forms P139L.
Identifiers: ClinVar variation 430922 (VCV000430922.59), dbSNP rs1554389088, ClinGen allele CA367366362.

ClinVar aggregate classification (germline): Pathogenic/Likely pathogenic. Review status: criteria provided, multiple submitters, no conflicts (2 of 4 stars). 16 submissions from 16 submitters: Pathogenic (11); Likely pathogenic (1). 4 of the submissions do not count toward it. Last evaluated 2026-02-03.

Conditions:
Microcephaly. Also called: Microcephaly (disease). Identifiers: MedGen C4551563, MONDO:0001149, HP:0000252.
Global developmental delay (DD). Also called: Cognitive delay. Identifiers: MedGen C0557874, HP:0001263. Disease mechanism: loss of function.
Agitation. Identifiers: MedGen C0085631, HP:0000713.
Apnea. Identifiers: MedGen C0003578, HP:0002104.
Hyperventilation. Identifiers: MedGen C0020578, HP:0002883.
Dystonic disorder. Also called: Dystonia. Identifiers: MedGen C0013421, MONDO:0003441, HP:0001332.
Intellectual developmental disorder, autosomal dominant 54. Also called: Intellectual disability, autosomal dominant 54; MENTAL RETARDATION, AUTOSOMAL DOMINANT 54. Identifiers: MedGen C4540484, MONDO:0030920, OMIM 617799.
Inborn genetic diseases. Identifiers: MedGen C0950123, MeSH D030342.
Abnormality of the nervous system. Also called: Congenital nervous system disorder. Identifiers: MedGen C0497552, MONDO:0002320, HP:0000707.
Intellectual disability. Also called: intellectual disabilities; Intellectual functioning disability; Intellectual developmental disorder. Identifiers: MedGen C3714756, MeSH D008607, MONDO:0001071, HP:0001249.

Submissions 1 to 11 of 16:

Ambry Genetics
Classification: Pathogenic for Inborn genetic diseases. Last evaluated: 2026-02-03. Review status: criteria provided, single submitter. Criteria: Ambry Variant Classification Scheme 2023. Collection method: clinical testing. Allele origin: germline.
Comment: The c.416C>T (p.P139L) alteration is located in exon 7 (coding exon 7) of the CAMK2B gene. This alteration results from a C to T substitution at nucleotide position 416, causing the proline (P) at amino acid position 139 to be replaced by a leucine (L). This variant was not reported in population-based cohorts in the Genome Aggregation Database (gnomAD). This variant was reported in individual(s) with features consistent with CAMK2B-related neurodevelopmental disorder; in at least one individual, it was determined to be de novo or the result of germline mosaicism (K&uuml;ry, 2017; Iwama, 2019; Rizzi, 2020; Ambry internal data). This amino acid position is highly conserved in available vertebrate species. Functional analysis demonstrated that the p.P139L variant showed reduced CAMK2B expression levels compared to wild type, and cells expressing this variant showed a significant increase in phosphorylation of T287. P139L was also observed to disrupt neuronal migration in developing mouse embryos (K&uuml;ry, 2017). This alteration is predicted to be deleterious by in silico analysis. Based on the available evidence, this alteration is classified as pathogenic.

3billion
Classification: Pathogenic for Intellectual developmental disorder, autosomal dominant 54. Last evaluated: 2025-09-18. Review status: criteria provided, single submitter. Criteria: ACMG Guidelines, 2015. Collection method: clinical testing. Allele origin: germline. Affected: yes.
Comment: The variant is not observed in the gnomAD v4.1.0 dataset. Predicted Consequence/Location: Missense variant In silico tool predictions suggest damaging effect of the variant on gene or gene product [3Cnet: 0.87 (> 0.75, sensitivity 0.96 and precision 0.92)]. The same nucleotide change resulting in the same amino acid change has been previously reported as pathogenic/likely pathogenic with strong evidence (ClinVar ID: VCV000430922 /PMID: 29100089 /3billion dataset). The variant has been previously reported as de novo in a similarly affected individual (PMID: 29100089). The variant has been observed in at least two similarly affected unrelated individuals (PMID: 29100089). Therefore, this variant is classified as Pathogenic according to the recommendation of ACMG/AMP guideline.

Institute of Human Genetics, University of Leipzig Medical Center
Classification: Pathogenic for Intellectual developmental disorder, autosomal dominant 54. Last evaluated: 2025-05-06. Review status: criteria provided, single submitter. Criteria: ACMG Guidelines, 2015. Collection method: clinical testing. Allele origin: de novo. Inheritance: Autosomal dominant inheritance. Affected: yes.
Comment: Criteria applied: PS2_VSTR,PS4,PS3_MOD,PM2,PP2

CeGaT Center for Human Genetics Tuebingen
Classification: Pathogenic. Last evaluated: 2025-01-01. Review status: criteria provided, single submitter. Criteria: CeGaT Center For Human Genetics Tuebingen Variant Classification Criteria Version 2. Collection method: clinical testing. Allele origin: germline. Affected: yes. Observed: 1 variant allele.
Comment: CAMK2B: PS2:Very Strong, PM2, PP2

Labcorp Genetics (formerly Invitae), Labcorp
Classification: Pathogenic. Last evaluated: 2024-04-18. Review status: criteria provided, single submitter. Criteria: Invitae Variant Classification Sherloc (09022015). Collection method: clinical testing. Allele origin: germline.
Comment: This sequence change replaces proline, which is neutral and non-polar, with leucine, which is neutral and non-polar, at codon 139 of the CAMK2B protein (p.Pro139Leu). This variant is not present in population databases (gnomAD no frequency). This missense change has been observed in individual(s) with CAMK2B-related conditions (PMID: 29100089, 30842224, 31036916). In at least one individual the variant was observed to be de novo. ClinVar contains an entry for this variant (Variation ID: 430922). An algorithm developed to predict the effect of missense changes on protein structure and function (PolyPhen-2) suggests that this variant is likely to be disruptive. Experimental studies have shown that this missense change affects CAMK2B function (PMID: 29100089). For these reasons, this variant has been classified as Pathogenic.

Institute of Human Genetics Munich, TUM University Hospital
Classification: Pathogenic for Intellectual developmental disorder, autosomal dominant 54. Last evaluated: 2023-02-21. Review status: criteria provided, single submitter. Criteria: Classification criteria August 2017. Collection method: clinical testing. Allele origin: germline. Inheritance: Autosomal dominant inheritance. Affected: yes. Observed: 1 variant allele.

Dasa
Classification: Pathogenic for Intellectual developmental disorder, autosomal dominant 54. Last evaluated: 2022-02-14. Review status: criteria provided, single submitter. Criteria: ACMG Guidelines, 2015. Collection method: clinical testing. Allele origin: germline. Affected: yes. Observed: 1 variant allele.
Comment: Well-established in vitro or in vivo functional studies supportive of a damaging effect on the gene or gene product (PMID: 29100089) - PS3_moderate. The c.416C>T;p.(Pro139Leu) missense variant has been observed in affected individual(s) and ClinVar contains an entry for this variant (Clinvar ID: 430922; PMID: 32875707; 29100089) - PS4. This variant is not present in population databases (rs1554389088, gnomAD; ABraOM no frequency) - PM2. The variant was assumed de novo, but without confirmation of paternity and maternity (PMID: 32875707; 29100089) - PM6. In summary, the currently available evidence indicates that the variant is pathogenic.

GeneDx
Classification: Pathogenic. Last evaluated: 2021-10-21. Review status: criteria provided, single submitter. Criteria: GeneDx Variant Classification Process June 2021. Collection method: clinical testing. Allele origin: germline. Affected: yes.
Comment: Published functional studies demonstrate a damaging effect (impairment of neuronal migration in murine models) (Kury et al., 2017); Not observed in large population cohorts (gnomAD); In silico analysis, which includes protein predictors and evolutionary conservation, supports a deleterious effect; This variant is associated with the following publications: (PMID: 32581362, 29100089, 30842224, 29100083, 30577886, 31036916, 30979967, 32875707, 31785789)

Kariminejad - Najmabadi Pathology & Genetics Center
Classification: Pathogenic for Abnormality of the nervous system. Last evaluated: 2021-07-10. Review status: criteria provided, single submitter. Criteria: ACMG Guidelines, 2015. Collection method: clinical testing. Allele origin: de novo. Affected: yes.

Undiagnosed Diseases Network, NIH
Classification: Pathogenic for Intellectual developmental disorder, autosomal dominant 54. Last evaluated: 2017-09-11. Review status: criteria provided, single submitter. Criteria: ACMG Guidelines, 2015. Collection method: clinical testing. Allele origin: de novo. Inheritance: Autosomal dominant inheritance. Affected: yes. Observed: 1 variant allele, 1 heterozygote. Study: Undiagnosed Diseases Network (NIH), UDN.
Comment: This variant has been reported in PMID:29100089 (individual 20).

Juno Genomics, Hangzhou Juno Genomics, Inc
Classification: Pathogenic for Intellectual developmental disorder, autosomal dominant 54. Review status: criteria provided, single submitter. Criteria: ACMG Guidelines, 2015. Collection method: clinical testing. Allele origin: germline. Affected: yes.
Comment: Absent from controls (or at extremely low frequency if recessive) in Genome Aggregation Database, Exome Sequencing Project, 1000 Genomes Project, or Exome Aggregation Consortium.;The prevalence of the variant in affected individuals is significantly increased compared to the prevalence in controls.;De novo (both maternity and paternity confirmed) in a patient with the disease and no family history.;Well-established in vitro or in vivo functional studies supportive of a damaging effect on the gene or gene product.